The following is an entry in ClinVar:

ClinVar aggregate classification (germline): Uncertain significance. Review status: criteria provided, multiple submitters, no conflicts (2 of 4 stars). 3 submissions from 3 submitters: Uncertain significance (3). Last evaluated 2026-05-28.

Conditions:
Familial thoracic aortic aneurysm and aortic dissection (TAAD). Also called: Thoracic aortic aneurysms and dissections. Identifiers: Orphanet 91387, MedGen C4707243, MONDO:0019625.
Arterial tortuosity syndrome (ATORS). Identifiers: Orphanet 3342, MedGen C1859726, MONDO:0008818, OMIM 208050.

Allele frequency attached by ClinVar (database versions not stated): ExAC 0.00001; gnomAD exomes below 0.00001.
gnomAD v4.1: 5 of 1,614,230 alleles (0.00031%); highest among the groups gnomAD compares: Non-Finnish European, 0.00034%; no homozygotes.

Submissions (3):

Ambry Genetics
Classification: Uncertain significance for Familial thoracic aortic aneurysm and aortic dissection. Last evaluated: 2026-05-28. Review status: criteria provided, single submitter. Criteria: Ambry Variant Classification Scheme 2023. Collection method: clinical testing. Allele origin: germline.
Comment: The p.S463R variant (also known as c.1387A>C), located in coding exon 3 of the SLC2A10 gene, results from an A to C substitution at nucleotide position 1387. The serine at codon 463 is replaced by arginine, an amino acid with dissimilar properties. This amino acid position is well conserved in available vertebrate species. In addition, this alteration is predicted to be deleterious by in silico analysis. Based on the available evidence, the clinical significance of this variant remains unclear.

Labcorp Genetics (formerly Invitae), Labcorp
Classification: Uncertain significance for Arterial tortuosity syndrome. Last evaluated: 2022-02-03. Review status: criteria provided, single submitter. Criteria: Invitae Variant Classification Sherloc (09022015). Collection method: clinical testing. Allele origin: germline.
Comment: In summary, the available evidence is currently insufficient to determine the role of this variant in disease. Therefore, it has been classified as a Variant of Uncertain Significance. Advanced modeling of protein sequence and biophysical properties (such as structural, functional, and spatial information, amino acid conservation, physicochemical variation, residue mobility, and thermodynamic stability) performed at Invitae indicates that this missense variant is expected to disrupt SLC2A10 protein function. ClinVar contains an entry for this variant (Variation ID: 213738). This variant has not been reported in the literature in individuals affected with SLC2A10-related conditions. This variant is present in population databases (rs771091234, gnomAD 0.0009%). This sequence change replaces serine, which is neutral and polar, with arginine, which is basic and polar, at codon 463 of the SLC2A10 protein (p.Ser463Arg).

GeneDx
Classification: Uncertain significance. Last evaluated: 2014-08-22. Review status: criteria provided, single submitter. Criteria: GeneDx Variant Classification (06012015). Collection method: clinical testing. Allele origin: germline. Affected: yes.
Comment: p.Ser463Arg (AGC>CGC): c.1387 A>C in exon 3 of the SLC2A10 gene (NM_030777.3). A variant of unknown significance has been identified in the SLC2A10 gene. The S463R variant has not been published as a mutation, nor has it been reported as a benign polymorphism to our knowledge. The S463R variant was not observed in approximately 6,500 individuals of European and African American ancestry in the NHLBI Exome Sequencing Project, indicating it is not a common benign variant in these populations. The S463R variant is a semi-conservative amino acid substitution, which may impact secondary protein structure as these residues differ in some properties. This substitution occurs at a position that is conserved within mammals. In silico analysis predicts this variant is probably damaging to the protein structure/function. However, missense mutations in nearby residues have not been reported, indicating this region of the protein may tolerate change. Therefore, based on the currently available information, it is unclear whether this variant is a pathogenic mutation or a rare benign variant. This variant was found in TAAD

NM_030777.4(SLC2A10):c.1387A>C (p.Ser463Arg)

Gene: SLC2A10 (solute carrier family 2 member 10; plus strand). Cytogenetic location: 20q13.12.
Variant type: single nucleotide variant.
Coding change: c.1387A>C on transcript NM_030777.4 (MANE Select); coding-DNA position 1387, A replaced by C.
Protein change: p.Ser463Arg; replaces serine 463 with arginine.
Molecular consequence: missense variant.
Genome position (GRCh38, 1-based): chr20:46,726,962, A>C. VCF-style: chr20-46726962-A-C. GRCh37 (hg19) VCF-style: chr20-45355601-A-C.
Other names: p.S463R:AGC>CGC; short protein forms S463R.
Identifiers: ClinVar variation 213738 (VCV000213738.11), dbSNP rs771091234, ClinGen allele CA320752.
Genomic context (GRCh38, chr20:46,726,962, plus strand): 5'-ATACGAGGAAGAGCCTTCGCCTTCTGCAACAGCTTCAACTGGGCGGCCAACCTCTTCATC[A>C]GCCTCTCCTTCCTCGATCTCATTGGTGAGTCCTTCCCAGACAAGTCCGTTTTTTTTCTGT-3'
Protein context (NP_110404.1, residues 453-473): SFNWAANLFI[Ser463Arg]LSFLDLIGTI